The following is an entry in ClinVar:

NM_002905.5(RDH5):c.186del (p.Ser63fs)

Genes: BLOC1S1-RDH5 (BLOC1S1-RDH5 readthrough; plus strand), RDH5 (retinol dehydrogenase 5; plus strand). Cytogenetic location: 12q13.2.
Variant type: Deletion.
Coding change: c.186del on transcript NM_002905.5 (MANE Select); coding-DNA position 186, one base deleted (C; older notation c.186delC).
Protein change: p.Ser63fs; shifts the reading frame from serine 63.
Molecular consequence: frameshift variant.
Genome position (GRCh38, 1-based): chr12:55,721,370, C deleted; the last of 5 consecutive C bases (chr12:55,721,366-55,721,370); deleting any one gives the same sequence. VCF-style (leftmost placement, unchanged base first): chr12-55721365-AC-A. GRCh37 (hg19) VCF-style: chr12-56115149-AC-A.
Other names: c.186del, p.Ser63fs (NM_001199771.3); short protein forms S63fs.
Identifiers: ClinVar variation 1383698 (VCV001383698.6), dbSNP rs34619378, ClinGen allele CA237593455.

ClinVar aggregate classification (germline): Pathogenic (1 of 4 stars; one submission).

Submission:

Labcorp Genetics (formerly Invitae), Labcorp
Classification: Pathogenic. Last evaluated: 2022-08-23. Review status: criteria provided, single submitter. Criteria: Invitae Variant Classification Sherloc (09022015). Collection method: clinical testing. Allele origin: germline.
Comment: For these reasons, this variant has been classified as Pathogenic. ClinVar contains an entry for this variant (Variation ID: 1383698). This variant has not been reported in the literature in individuals affected with RDH5-related conditions. The frequency data for this variant in the population databases is considered unreliable, as metrics indicate poor data quality at this position in the gnomAD database. This sequence change creates a premature translational stop signal (p.Ser63Profs*47) in the RDH5 gene. It is expected to result in an absent or disrupted protein product. Loss-of-function variants in RDH5 are known to be pathogenic (PMID: 11675386, 22815624).

Literature cited by the submitters: PubMed 11675386; PubMed 22815624.